The following is an entry in ClinVar:

GRCh38/hg38 17p12(chr17:16018139-16028011)x0

Genes: TTC19 (tetratricopeptide repeat domain 19; plus strand), LOC129390841 (MPRA-validated peak2750 silencer; plus strand). Cytogenetic location: 17p12.
Variant type: copy number loss.
Change: copy number 0 (both copies lost) of chr17:16,018,139-16,028,011 (9.9 kb, GRCh38 coordinates, 1-based), cytogenetic band 17p12.
Identifiers: ClinVar variation 2579225 (VCV002579225.1).

ClinVar aggregate classification (germline): Pathogenic (1 of 4 stars; one submission).

Conditions:
Mitochondrial complex III deficiency nuclear type 2. Identifiers: MedGen C3554605, MONDO:0014063, OMIM 615157.

Submission:

Broad Center for Mendelian Genomics, Broad Institute of MIT and Harvard
Classification: Pathogenic for Mitochondrial complex III deficiency nuclear type 2. Last evaluated: 2023-08-24. Review status: criteria provided, single submitter. Criteria: ACMG/ClinGen CNV Guidelines, 2019. Collection method: research. Allele origin: unknown. Inheritance: Autosomal recessive inheritance. Affected: yes.
Comment: A homozygous deletion of exons 8-10 in TTC19 (NM_017775.4) was identified by exome sequencing and confirmed by genome sequencing in two siblings with mitochondrial complex III deficiency ([GRCh 38] chr17:16018139_16028011x0). Inheritance information is unavailable. The patient phenotypes are nonspecific, but are consistent with cases described in the literature and/or published databases with overlapping variants. There is overlap with the 3’ end of the TTC19 gene including coding sequence. This alteration is then predicted to lead to a truncated or absent protein. Loss of function of TTC19 is an established disease mechanism in autosomal recessive mitochondrial complex III deficiency. In summary, this variant meets criteria to be classified as pathogenic for autosomal recessive mitochondrial complex III deficiency. The ACMG/ClinGen evidence codes and points used in this curation are as follows: 1: 0 points, 2: 0.9 points, 3: 0 points, 4-5: 0.15 points; Total: 1.05 points; Riggs 2020 (PMID: 31690835).